The following is an entry in ClinVar:

NM_002291.3(LAMB1):c.777T>C (p.Tyr259=)

Gene: LAMB1 (laminin subunit beta 1; minus strand). Cytogenetic location: 7q31.1.
Variant type: single nucleotide variant.
Coding change: c.777T>C on transcript NM_002291.3 (MANE Select); coding-DNA position 777, T replaced by C.
Protein change: p.Tyr259=; no amino-acid change (tyrosine 259 retained).
Molecular consequence: synonymous variant.
Genome position (GRCh38, 1-based): chr7:107,980,711, A>G on the plus strand (T>C on the coding strand, the complement: LAMB1 is on the minus strand). VCF-style: chr7-107980711-A-G. GRCh37 (hg19) VCF-style: chr7-107621156-A-G.
Identifiers: ClinVar variation 2657941 (VCV002657941.24), dbSNP rs1311288134, ClinGen allele CA457110881.

ClinVar aggregate classification (germline): Likely benign (1 of 4 stars; one submission).

Allele frequency attached by ClinVar (database versions not stated): gnomAD exomes below 0.00001.
gnomAD v4.1: 2 of 1,613,786 alleles (0.00012%); highest among the groups gnomAD compares: South Asian, 0.0011%; no homozygotes.

Submission:

CeGaT Center for Human Genetics Tuebingen
Classification: Likely benign. Last evaluated: 2023-01-01. Review status: criteria provided, single submitter. Criteria: CeGaT Center For Human Genetics Tuebingen Variant Classification Criteria Version 2. Collection method: clinical testing. Allele origin: germline. Affected: yes. Observed: 1 variant allele.
Comment: LAMB1: PM2:Supporting, BP4, BP7